The following is an entry in ClinVar:

NM_024529.5(CDC73):c.501_502del (p.Glu168fs)

Gene: CDC73 (cell division cycle 73; plus strand). Cytogenetic location: 1q31.2.
Variant type: Deletion.
Coding change: c.501_502del on transcript NM_024529.5 (MANE Select); coding-DNA positions 501 to 502, 2 bases deleted (TG; older notation c.501_502delTG).
Protein change: p.Glu168fs; shifts the reading frame from glutamic acid 168.
Molecular consequence: frameshift variant.
Genome position (GRCh38, 1-based): chr1:193,138,162-193,138,163, TG deleted. VCF-style (leftmost placement, unchanged base first): chr1-193138161-CTG-C. GRCh37 (hg19) VCF-style: chr1-193107291-CTG-C.
Other names: short protein forms E168fs.
Identifiers: ClinVar variation 1454960 (VCV001454960.6), dbSNP rs2103123824, ClinGen allele CA2573131370.
Genomic context (GRCh38, chr1:193,138,161, plus strand): 5'-GCCTTGATAAAGAGAGATTGGCTGCCCGTTTGGAGGGTCACAAAGAAGGGATTGTACAGA[CTG>C]AACAGATTAGGTAAGAATTCTTTTTAAGTAGAAAGTAGGTAGTTTAGATATATGTAAAAG-3'

ClinVar aggregate classification (germline): Pathogenic (1 of 4 stars; one submission).

Conditions:
Parathyroid carcinoma (PRTC). Also called: CDC73-Related Parathyroid Carcinoma; Parathyroid gland carcinoma. Identifiers: Orphanet 143, MedGen C0687150, MONDO:0012004, OMIM 608266, HP:0006780.

Submission:

Labcorp Genetics (formerly Invitae), Labcorp
Classification: Pathogenic for Parathyroid carcinoma. Last evaluated: 2025-10-13. Review status: criteria provided, single submitter. Criteria: Invitae Variant Classification Sherloc (09022015). Collection method: clinical testing. Allele origin: germline.
Comment: This sequence change creates a premature translational stop signal (p.Glu168Thrfs*3) in the CDC73 gene. It is expected to result in an absent or disrupted protein product. Loss-of-function variants in CDC73 are known to be pathogenic (PMID: 12434154). This variant is not present in population databases (gnomAD no frequency). This variant has not been reported in the literature in individuals affected with CDC73-related conditions. ClinVar contains an entry for this variant (Variation ID: 1454960). For these reasons, this variant has been classified as Pathogenic.

Literature cited by the submitters: PubMed 12434154.